The following is an entry in ClinVar:

NM_030943.4(AMN):c.669C>A (p.Cys223Ter)

Gene: AMN (amnion associated transmembrane protein; plus strand). Cytogenetic location: 14q32.32.
Variant type: single nucleotide variant.
Coding change: c.669C>A on transcript NM_030943.4 (MANE Select); coding-DNA position 669, C replaced by A.
Protein change: p.Cys223Ter; replaces cysteine 223 with a stop codon.
Molecular consequence: nonsense.
Genome position (GRCh38, 1-based): chr14:102,929,445, C>A. VCF-style: chr14-102929445-C-A. GRCh37 (hg19) VCF-style: chr14-103395782-C-A.
Other names: c.507C>A, p.Cys169Ter (NM_001425246.1); short protein forms C223*, C169*.
Identifiers: ClinVar variation 2771124 (VCV002771124.3), dbSNP rs1468648701, ClinGen allele CA391082044.

ClinVar aggregate classification (germline): Pathogenic (1 of 4 stars; one submission).

Conditions:
Imerslund-Grasbeck syndrome. Also called: ENTEROCYTE COBALAMIN MALABSORPTION; ENTEROCYTE INTRINSIC FACTOR RECEPTOR, DEFECT OF; Imerslund-Gräsbeck syndrome; PERNICIOUS ANEMIA, JUVENILE, DUE TO SELECTIVE INTESTINAL MALABSORPTION OF VITAMIN B12, WITH PROTEINURIA; Megaloblastic anemia due to inborn errors of metabolism. Identifiers: Orphanet 35858, MedGen C4551825, MONDO:0009853.

Submission:

Labcorp Genetics (formerly Invitae), Labcorp
Classification: Pathogenic for Imerslund-Grasbeck syndrome. Last evaluated: 2023-10-22. Review status: criteria provided, single submitter. Criteria: Invitae Variant Classification Sherloc (09022015). Collection method: clinical testing. Allele origin: germline.
Comment: This sequence change creates a premature translational stop signal (p.Cys223*) in the AMN gene. It is expected to result in an absent or disrupted protein product. Loss-of-function variants in AMN are known to be pathogenic (PMID: 12590260, 22929189). This variant is not present in population databases (gnomAD no frequency). This variant has not been reported in the literature in individuals affected with AMN-related conditions. For these reasons, this variant has been classified as Pathogenic.

Literature cited by the submitters: PubMed 12590260; PubMed 22929189.